The following is an entry in ClinVar:

ClinVar aggregate classification (germline): Uncertain significance (1 of 4 stars; one submission).

Conditions:
Alstrom syndrome (ALMS). Identifiers: Orphanet 64, MedGen C0268425, MONDO:0008763, OMIM 203800.

gnomAD v4.1: 1 of 1,563,180 alleles (0.000064%); highest among the groups gnomAD compares: Non-Finnish European, 0.000087%; no homozygotes.

Submission:

Labcorp Genetics (formerly Invitae), Labcorp
Classification: Uncertain significance for Alstrom syndrome. Last evaluated: 2022-08-26. Review status: criteria provided, single submitter. Criteria: Invitae Variant Classification Sherloc (09022015). Collection method: clinical testing. Allele origin: germline.
Comment: In summary, the available evidence is currently insufficient to determine the role of this variant in disease. Therefore, it has been classified as a Variant of Uncertain Significance. Experimental studies and prediction algorithms are not available or were not evaluated, and the functional significance of this variant is currently unknown. This variant has not been reported in the literature in individuals affected with ALMS1-related conditions. This variant is not present in population databases (gnomAD no frequency). This sequence change replaces proline, which is neutral and non-polar, with serine, which is neutral and polar, at codon 91 of the ALMS1 protein (p.Pro91Ser).

NM_001378454.1(ALMS1):c.268C>T (p.Pro90Ser)

Gene: ALMS1 (ALMS1 centrosome and basal body associated protein; plus strand). Cytogenetic location: 2p13.1.
Variant type: single nucleotide variant.
Coding change: c.268C>T on transcript NM_001378454.1 (MANE Select); coding-DNA position 268, C replaced by T.
Protein change: p.Pro90Ser; replaces proline 90 with serine.
Molecular consequence: missense variant.
Genome position (GRCh38, 1-based): chr2:73,386,136, C>T. VCF-style: chr2-73386136-C-T. GRCh37 (hg19) VCF-style: chr2-73613264-C-T.
Other names: c.271C>T, p.Pro91Ser (NM_015120.4); short protein forms P90S, P91S.
Identifiers: ClinVar variation 2170665 (VCV002170665.4), dbSNP rs2465971645, ClinGen allele CA347250961.